The following is an entry in ClinVar:

NM_003922.4(HERC1):c.7111A>C (p.Asn2371His)

Gene: HERC1 (HECT and RLD domain containing E3 ubiquitin protein ligase family member 1; minus strand). Cytogenetic location: 15q22.31.
Variant type: single nucleotide variant.
Coding change: c.7111A>C on transcript NM_003922.4 (MANE Select); coding-DNA position 7111, A replaced by C.
Protein change: p.Asn2371His; replaces asparagine 2371 with histidine.
Molecular consequence: missense variant.
Genome position (GRCh38, 1-based): chr15:63,675,077, T>G on the plus strand (A>C on the coding strand, the complement: HERC1 is on the minus strand). VCF-style: chr15-63675077-T-G. GRCh37 (hg19) VCF-style: chr15-63967276-T-G.
Other names: short protein forms N2371H.
Identifiers: ClinVar variation 4692058 (VCV004692058.1).

ClinVar aggregate classification (germline): Uncertain significance (1 of 4 stars; one submission).

gnomAD v4.1: 18 of 1,609,896 alleles (0.0011%); highest among the groups gnomAD compares: African/African-American, 0.021%; no homozygotes.

Submission:

Labcorp Genetics (formerly Invitae), Labcorp
Classification: Uncertain significance. Last evaluated: 2025-09-15. Review status: criteria provided, single submitter. Criteria: Invitae Variant Classification Sherloc (09022015). Collection method: clinical testing. Allele origin: germline.
Comment: This sequence change replaces asparagine, which is neutral and polar, with histidine, which is basic and polar, at codon 2371 of the HERC1 protein (p.Asn2371His). This variant is present in population databases (rs763266005, gnomAD 0.03%). This variant has not been reported in the literature in individuals affected with HERC1-related conditions. Invitae Evidence Modeling of protein sequence and biophysical properties (such as structural, functional, and spatial information, amino acid conservation, physicochemical variation, residue mobility, and thermodynamic stability) indicates that this missense variant is not expected to disrupt HERC1 protein function with a negative predictive value of 80%. In summary, the available evidence is currently insufficient to determine the role of this variant in disease. Therefore, it has been classified as a Variant of Uncertain Significance.